The following is an entry in ClinVar:

NM_001478.5(B4GALNT1):c.219-7C>T

Gene: B4GALNT1 (beta-1,4-N-acetyl-galactosaminyltransferase 1; minus strand). Cytogenetic location: 12q13.3.
Variant type: single nucleotide variant.
Coding change: c.219-7C>T on transcript NM_001478.5 (MANE Select); 7 bases into the intron before coding-DNA position 219, C replaced by T.
Molecular consequence: intron variant.
Genome position (GRCh38, 1-based): chr12:57,631,371, G>A on the plus strand (C>T on the coding strand, the complement: B4GALNT1 is on the minus strand). VCF-style: chr12-57631371-G-A. GRCh37 (hg19) VCF-style: chr12-58025154-G-A.
Other names: p.?; c.219-285C>T (NM_001276468.2); c.219-7C>T (NM_001276469.2).
Identifiers: ClinVar variation 508721 (VCV000508721.13), dbSNP rs138590413, ClinGen allele CA6655844.
Genomic context (GRCh38, chr12:57,631,371, plus strand): 5'-AGGGGGAGGCCCCCCCCACTGGACTCACAACTGCAGTTGTTCCAAGCCAGCAGCCTGAAG[G>A]GGGTAGGTAGTGAGGGTCATCAGAGCCCAGCTACACAGCTCCATTCATCCCATAAACACT-3'

ClinVar aggregate classification (germline): Benign. Review status: criteria provided, multiple submitters, no conflicts (2 of 4 stars). 3 submissions from 3 submitters: Benign (3). Last evaluated 2026-01-26.

Conditions:
Spastic paraplegia. Identifiers: MedGen C0037772, HP:0001258.

Allele frequency attached by ClinVar (database versions not stated): 1000 Genomes Project 0.01258; 1000 Genomes Project 30x 0.01359; TOPMed 0.01575; ESP Exome Variant Server 0.01600.
gnomAD v4.1: 3,887 of 1,613,870 alleles (0.24%); highest among the groups gnomAD compares: African/African-American, 4.5%; 73 homozygotes.

Submissions (3):

Labcorp Genetics (formerly Invitae), Labcorp
Classification: Benign for Spastic paraplegia. Last evaluated: 2026-01-26. Review status: criteria provided, single submitter. Criteria: Invitae Variant Classification Sherloc (09022015). Collection method: clinical testing. Allele origin: germline.

Mayo Clinic Laboratories, Mayo Clinic
Classification: Benign. Last evaluated: 2019-08-23. Review status: criteria provided, single submitter. Criteria: ACMG Guidelines, 2015. Collection method: clinical testing. Allele origin: germline. Observed: 7 variant alleles.

GeneDx
Classification: Benign. Last evaluated: 2017-10-03. Review status: criteria provided, single submitter. Criteria: GeneDx Variant Classification (06012015). Collection method: clinical testing. Allele origin: germline. Affected: yes.
Comment: This variant is considered likely benign or benign based on one or more of the following criteria: it is a conservative change, it occurs at a poorly conserved position in the protein, it is predicted to be benign by multiple in silico algorithms, and/or has population frequency not consistent with disease.